The following is an entry in ClinVar:

NM_001035.3(RYR2):c.9844A>G (p.Lys3282Glu)

Gene: RYR2 (ryanodine receptor 2; plus strand). Cytogenetic location: 1q43.
Variant type: single nucleotide variant.
Coding change: c.9844A>G on transcript NM_001035.3 (MANE Select); coding-DNA position 9844, A replaced by G.
Protein change: p.Lys3282Glu; replaces lysine 3282 with glutamic acid.
Molecular consequence: missense variant.
Genome position (GRCh38, 1-based): chr1:237,707,212, A>G. VCF-style: chr1-237707212-A-G. GRCh37 (hg19) VCF-style: chr1-237870512-A-G.
Other names: short protein forms K3282E.
Identifiers: ClinVar variation 2768216 (VCV002768216.3), dbSNP rs2547403177, ClinGen allele CA345409313.

ClinVar aggregate classification (germline): Uncertain significance (1 of 4 stars; one submission).

Conditions:
Catecholaminergic polymorphic ventricular tachycardia 1. Also called: RYR2-Related Catecholaminergic Polymorphic Ventricular Tachycardia; VENTRICULAR TACHYCARDIA, STRESS-INDUCED POLYMORPHIC 1; VENTRICULAR TACHYCARDIA, CATECHOLAMINERGIC POLYMORPHIC, 1, WITH OR WITHOUT ATRIAL DYSFUNCTION AND/OR DILATED CARDIOMYOPATHY. Identifiers: Orphanet 3286, MedGen C1631597, MONDO:0011484, OMIM 604772.

Submission:

Labcorp Genetics (formerly Invitae), Labcorp
Classification: Uncertain significance for Catecholaminergic polymorphic ventricular tachycardia 1. Last evaluated: 2023-10-14. Review status: criteria provided, single submitter. Criteria: Invitae Variant Classification Sherloc (09022015). Collection method: clinical testing. Allele origin: germline.
Comment: This sequence change replaces lysine, which is basic and polar, with glutamic acid, which is acidic and polar, at codon 3282 of the RYR2 protein (p.Lys3282Glu). This variant is not present in population databases (gnomAD no frequency). This variant has not been reported in the literature in individuals affected with RYR2-related conditions. Advanced modeling of protein sequence and biophysical properties (such as structural, functional, and spatial information, amino acid conservation, physicochemical variation, residue mobility, and thermodynamic stability) performed at Invitae indicates that this missense variant is not expected to disrupt RYR2 protein function. In summary, the available evidence is currently insufficient to determine the role of this variant in disease. Therefore, it has been classified as a Variant of Uncertain Significance.